The following is an entry in ClinVar:

ClinVar aggregate classification (germline): Uncertain significance (1 of 4 stars; one submission).

Conditions:
Dilated cardiomyopathy 1G (CMD1G). Identifiers: Orphanet 154, MedGen C1858763, MONDO:0011400, OMIM 604145.
Autosomal recessive limb-girdle muscular dystrophy type 2J (LGMDR10). Also called: MUSCULAR DYSTROPHY, LIMB-GIRDLE, AUTOSOMAL RECESSIVE 10; Limb-girdle muscular dystrophy, type 2J. Identifiers: Orphanet 140922, MedGen C1837342, MONDO:0012127, OMIM 608807.

Submission:

Labcorp Genetics (formerly Invitae), Labcorp
Classification: Uncertain significance for Dilated cardiomyopathy 1G; Autosomal recessive limb-girdle muscular dystrophy type 2J. Last evaluated: 2023-02-16. Review status: criteria provided, single submitter. Criteria: Invitae Variant Classification Sherloc (09022015). Collection method: clinical testing. Allele origin: germline.
Comment: This sequence change affects a donor splice site in intron 233 of the TTN gene. It is expected to disrupt RNA splicing and likely results in a truncated or disrupted TTN protein. This variant is not present in population databases (gnomAD no frequency). This variant has not been reported in the literature in individuals affected with TTN-related conditions. Variants that disrupt the consensus splice site are a relatively common cause of aberrant splicing (PMID: 17576681, 9536098). Algorithms developed to predict the effect of sequence changes on RNA splicing suggest that this variant is not likely to affect RNA splicing. In summary, the available evidence is currently insufficient to determine the role of this variant in disease. Therefore, it has been classified as a Variant of Uncertain Significance. This variant is located in the I band of TTN (PMID: 25589632). Variants in this region may be clinically relevant, but have not been definitively shown to cause cardiomyopathy or neuromuscular disease (PMID: 27493940, 32778822).

Literature cited by the submitters: PubMed 17576681; PubMed 9536098; PubMed 25589632; PubMed 27493940; PubMed 32778822.

NM_001267550.2(TTN):c.43086+5G>A

Gene: TTN (titin; minus strand). Cytogenetic location: 2q31.2.
Variant type: single nucleotide variant.
Coding change: c.43086+5G>A on transcript NM_001267550.2 (MANE Select); 5 bases into the intron after coding-DNA position 43086, G replaced by A.
Molecular consequence: intron variant.
Genome position (GRCh38, 1-based): chr2:178,633,182, C>T on the plus strand (G>A on the coding strand, the complement: TTN is on the minus strand). VCF-style: chr2-178633182-C-T. GRCh37 (hg19) VCF-style: chr2-179497909-C-T.
Other names: c.15891+5G>A (NM_003319.4); c.16467+5G>A (NM_133437.4); c.16266+5G>A (NM_133432.3); c.35382+5G>A (NM_133378.4); c.38163+5G>A (NM_001256850.1).
Identifiers: ClinVar variation 2944335 (VCV002944335.3), dbSNP rs2471498025, ClinGen allele CA2740096349.
Genomic context (GRCh38, chr2:178,633,182, plus strand): 5'-TGCCTTTTTTCACCCTACACAACCAAGCAACCCCTCTCCTATATAATTAGCTAATCTTGA[C>T]TTACAGGGGAAGCTGTCAAAGGCTGTCCTTTCAGCTTCCACTGGCCGTGAACATCAGGTT-3'